The following is an entry in ClinVar:

NM_024301.5(FKRP):c.168C>G (p.Phe56Leu)

Gene: FKRP (fukutin related protein; plus strand). Cytogenetic location: 19q13.32.
Variant type: single nucleotide variant.
Coding change: c.168C>G on transcript NM_024301.5 (MANE Select); coding-DNA position 168, C replaced by G.
Protein change: p.Phe56Leu; replaces phenylalanine 56 with leucine.
Molecular consequence: missense variant.
Genome position (GRCh38, 1-based): chr19:46,755,618, C>G. VCF-style: chr19-46755618-C-G. GRCh37 (hg19) VCF-style: chr19-47258875-C-G.
Other names: c.168C>G, p.Phe56Leu (NM_001039885.3); short protein forms F56L.
Identifiers: ClinVar variation 3278985 (VCV003278985.1).

ClinVar aggregate classification (germline): Uncertain significance (1 of 4 stars; one submission).

Conditions:
Cardiovascular phenotype. Identifiers: MedGen CN230736.

Submission:

Ambry Genetics
Classification: Uncertain significance for Cardiovascular phenotype. Last evaluated: 2024-04-09. Review status: criteria provided, single submitter. Criteria: Ambry Variant Classification Scheme 2023. Collection method: clinical testing. Allele origin: germline.
Comment: The p.F56L variant (also known as c.168C>G), located in coding exon 1 of the FKRP gene, results from a C to G substitution at nucleotide position 168. The phenylalanine at codon 56 is replaced by leucine, an amino acid with highly similar properties. This amino acid position is conserved. In addition, this alteration is predicted to be deleterious by in silico analysis. Based on the available evidence, the clinical significance of this variant remains unclear.